The following is an entry in ClinVar:

NM_001382347.1(MYO5A):c.584A>G (p.Lys195Arg)

Gene: MYO5A (myosin VA; minus strand). Cytogenetic location: 15q21.2.
Variant type: single nucleotide variant.
Coding change: c.584A>G on transcript NM_001382347.1 (MANE Select); coding-DNA position 584, A replaced by G.
Protein change: p.Lys195Arg; replaces lysine 195 with arginine.
Molecular consequence: missense variant.
Genome position (GRCh38, 1-based): chr15:52,416,173, T>C on the plus strand (A>G on the coding strand, the complement: MYO5A is on the minus strand). VCF-style: chr15-52416173-T-C. GRCh37 (hg19) VCF-style: chr15-52708370-T-C.
Other names: c.584A>G, p.Lys195Arg (NM_000259.3, NM_001142495.2); c.656A>G, p.Lys219Arg (NM_001382348.1, NM_001382349.1); short protein forms K219R, K195R.
Identifiers: ClinVar variation 1418381 (VCV001418381.9), dbSNP rs201017976, ClinGen allele CA7569197.

ClinVar aggregate classification (germline): Uncertain significance. Review status: criteria provided, multiple submitters, no conflicts (2 of 4 stars). 2 submissions from 2 submitters: Uncertain significance (2). Last evaluated 2024-12-15.

Conditions:
Inborn genetic diseases. Identifiers: MedGen C0950123, MeSH D030342.

Allele frequency attached by ClinVar (database versions not stated): ExAC 0.00001; gnomAD 0.00001 and 0.00002; gnomAD exomes 0.00001 and 0.00002; TOPMed 0.00002; 1000 Genomes Project 30x 0.00016; 1000 Genomes Project 0.00020.
gnomAD v4.1: 29 of 1,613,870 alleles (0.0018%); highest among the groups gnomAD compares: Admixed American, 0.005%; no homozygotes.

Submissions (2):

Ambry Genetics
Classification: Uncertain significance for Inborn genetic diseases. Last evaluated: 2024-12-15. Review status: criteria provided, single submitter. Criteria: Ambry Variant Classification Scheme 2023. Collection method: clinical testing. Allele origin: germline.

Labcorp Genetics (formerly Invitae), Labcorp
Classification: Uncertain significance. Last evaluated: 2021-06-22. Review status: criteria provided, single submitter. Criteria: Invitae Variant Classification Sherloc (09022015). Collection method: clinical testing. Allele origin: germline.
Comment: In summary, the available evidence is currently insufficient to determine the role of this variant in disease. Therefore, it has been classified as a Variant of Uncertain Significance. Algorithms developed to predict the effect of missense changes on protein structure and function (SIFT, PolyPhen-2, Align-GVGD) all suggest that this variant is likely to be tolerated, but these predictions have not been confirmed by published functional studies and their clinical significance is uncertain. This variant has not been reported in the literature in individuals with MYO5A-related conditions. This variant is present in population databases (rs201017976, ExAC 0.001%). This sequence change replaces lysine with arginine at codon 195 of the MYO5A protein (p.Lys195Arg). The lysine residue is moderately conserved and there is a small physicochemical difference between lysine and arginine.